The following is an entry in ClinVar:

NM_024426.6(WT1):c.1405G>A (p.Asp469Asn)

Gene: WT1 (WT1 transcription factor; minus strand). Cytogenetic location: 11p13.
Variant type: single nucleotide variant.
Coding change: c.1405G>A on transcript NM_024426.6 (MANE Select); coding-DNA position 1405, G replaced by A.
Protein change: p.Asp469Asn; replaces aspartic acid 469 with asparagine.
Molecular consequence: missense variant. On other transcripts: non-coding transcript variant (1).
Genome position (GRCh38, 1-based): chr11:32,392,014, C>T on the plus strand (G>A on the coding strand, the complement: WT1 is on the minus strand). VCF-style: chr11-32392014-C-T. GRCh37 (hg19) VCF-style: chr11-32413560-C-T.
Other names: D396N; c.1390G>A (NM_024426.4); c.1354G>A, p.Asp452Asn (NM_000378.6, NM_001407045.1); c.754G>A, p.Asp252Asn (NM_001198551.2); c.703G>A, p.Asp235Asn (NM_001198552.2); c.217G>A, p.Asp73Asn (NM_001367854.1); c.1399G>A, p.Asp467Asn (NM_001407044.1); c.1282G>A, p.Asp428Asn (NM_001407047.1); and 5 more; short protein forms D252N, D452N, D469N, D235N, D73N, D215N, D428N, D411N.
Identifiers: ClinVar variation 3490 (VCV000003490.8), dbSNP rs28941778, ClinGen allele CA016338.

ClinVar aggregate classification (germline): Pathogenic/Likely pathogenic. Review status: criteria provided, multiple submitters, no conflicts (2 of 4 stars). 8 submissions from 7 submitters: Pathogenic (5); Likely pathogenic (1). 2 of the submissions do not count toward it. Last evaluated 2026-01-07.

Conditions:
WT1-related disorder. Also called: WT1-related disorders. Identifiers: MedGen CN377814.
Wilms tumor 1 (WT1). Also called: Wilms tumor, somatic. Identifiers: Orphanet 654, MedGen CN033288, MONDO:0008679, OMIM 194070.
11p partial monosomy syndrome (WAGR). Also called: CHROMOSOME 11p13 DELETION SYNDROME; WAGR Spectrum Disorder; WAGR syndrome; WAGR Complex. Identifiers: Orphanet 893, MedGen C0206115, MONDO:0008681, OMIM 194072.
Frasier syndrome. Identifiers: Orphanet 347, MedGen C0950122, MeSH D052159, MONDO:0007635, OMIM 136680.
Drash syndrome (DDS). Also called: WILMS TUMOR AND PSEUDO- OR TRUE HERMAPHRODITISM; NEPHROPATHY, WILMS TUMOR, AND GENITAL ANOMALIES. Identifiers: Orphanet 220, MedGen C0950121, MONDO:0008682, OMIM 194080.
Inborn genetic diseases. Identifiers: MedGen C0950123, MeSH D030342.
Nephrotic syndrome, type 4 (NPHS4). Also called: Familial mesangial sclerosis; Nephrotic syndrome, early onset with diffuse mesangial sclerosis. Identifiers: Orphanet 656, MedGen C3151568, MONDO:0009733, OMIM 256370.

Submissions (8):

Ambry Genetics
Classification: Likely pathogenic for Inborn genetic diseases. Last evaluated: 2026-01-07. Review status: criteria provided, single submitter. Criteria: Ambry Variant Classification Scheme 2023. Collection method: clinical testing. Allele origin: germline.
Comment: The p.D464N variant (also known as c.1390G>A), located in coding exon 9 of the WT1 gene, results from a G to A substitution at nucleotide position 1390. The aspartic acid at codon 464 is replaced by asparagine, an amino acid with highly similar properties. This variant was reported in individuals with features consistent with WT1-related disorder; in at least three individuals, it was determined to be de novo (Pelletier J et al. Cell, 1991 Oct;67:437-47; Lee HJ et al. Ann Pediatr Endocrinol Metab, 2014 Jun;19:100-3; Lehnhardt A et al. Clin J Am Soc Nephrol, 2015 May;10:825-31; Weber S et al. Pediatr Nephrol, 2016 Jan;31:73-81; Rao J et al. Clin Genet, 2019 Nov;96:402-410; Cheng C et al. Front Pediatr, 2020 Dec;8:605889; Chen J et al. Pediatr Nephrol, 2021 Nov;36:3653-3662). In an assay testing WT1 function, this variant showed a functionally deficient DNA binding (Pelletier J et al. Cell, 1991 Oct;67:437-47). This amino acid position is highly conserved in available vertebrate species. In addition, this alteration is predicted to be tolerated by in silico analysis. This variant is considered to be rare based on population cohorts in the Genome Aggregation Database (gnomAD). Based on the majority of available evidence to date, this variant is likely to be pathogenic.

PreventionGenetics, part of Exact Sciences
Classification: Pathogenic for WT1-related condition. Last evaluated: 2025-08-11. Review status: criteria provided, single submitter. Criteria: ACMG Guidelines, 2015. Collection method: clinical testing. Allele origin: germline.
Comment: The WT1 c.1390G>A variant is predicted to result in the amino acid substitution p.Asp464Asn. This variant has been reported in several individuals to be pathogenic for Denys-Drash syndrome and nephrotic syndrome (also known as 1186G>A, D396N; Pelletier et al.1991. PubMed ID: 1655284; Jeanpierre et al. 1998. PubMed ID: 9529364; Li et al. 2010. PubMed ID: 20442690). In vitro experiments suggest this variant leads to decreased WT1 DNA binding (Pelletier et al.1991. PubMed ID: 1655284). An alternate missense change at this amino acid, described as c.1186G>C (p.Asp396His), has also been reported in a newborn with Denys-Drash syndrome (Hakan et al. 2012. PubMed ID: 22876585). To our knowledge, this variant has not been reported in a large population database (gnomAD), indicating this variant is rare. This variant is classified as pathogenic in ClinVar (Variation ID: 3490). This variant is interpreted as pathogenic.

Labcorp Genetics (formerly Invitae), Labcorp
Classification: Pathogenic for Wilms tumor 1; Drash syndrome; 11p partial monosomy syndrome; Frasier syndrome. Last evaluated: 2025-02-25. Review status: criteria provided, single submitter. Criteria: Invitae Variant Classification Sherloc (09022015). Collection method: clinical testing. Allele origin: germline.
Comment: This sequence change replaces aspartic acid, which is acidic and polar, with asparagine, which is neutral and polar, at codon 464 of the WT1 protein (p.Asp464Asn). This variant is not present in population databases (gnomAD no frequency). This missense change has been observed in individual(s) with WT1-related disorders (PMID: 1655284, 15665984, 33392118). In at least one individual the variant was observed to be de novo. This variant is also known as c.754G>A (p.Asp252Asn) and c.1186G>A (p.Asp396Asn). ClinVar contains an entry for this variant (Variation ID: 3490). Invitae Evidence Modeling of protein sequence and biophysical properties (such as structural, functional, and spatial information, amino acid conservation, physicochemical variation, residue mobility, and thermodynamic stability) indicates that this missense variant is expected to disrupt WT1 protein function with a positive predictive value of 95%. This variant disrupts the p.Asp464 amino acid residue in WT1. Other variant(s) that disrupt this residue have been determined to be pathogenic (PMID: 1655284, 5665984, 8810912, 20442690, 22876585, 24379226, 24402088). This suggests that this residue is clinically significant, and that variants that disrupt this residue are likely to be disease-causing. For these reasons, this variant has been classified as Pathogenic.

GeneDx
Classification: Pathogenic. Last evaluated: 2023-08-15. Review status: criteria provided, single submitter. Criteria: GeneDx Variant Classification Process June 2021. Collection method: clinical testing. Allele origin: germline. Affected: yes.
Comment: Published functional studies demonstrate a damaging effect: decreased DNA binding affinity (Pelletier et al, 1991); Not observed at significant frequency in large population cohorts (gnomAD); Also known as c.754G>A p.D252N, c.1186G>A p.D396N, and c.1405G>A p.D469N; This variant is associated with the following publications: (PMID: 24379226, 31816618, 1338906, 1655284, 25818337, 29869118, 29294058, 9529364, 9090524, 32891756, 32053599, 34031707, 31328266, 33392118, 25077094, 20442690, Bekheirnia2021[article], 15665984)

Blueprint Genetics
Classification: Pathogenic for WT1-related disorders. Last evaluated: 2023-08-03. Review status: criteria provided, single submitter. Criteria: ACMG Guidelines, 2015. Collection method: clinical testing. Allele origin: de novo. Affected: yes. Observed: 3 variant alleles.

3billion
Classification: Pathogenic for Nephrotic syndrome, type 4. Last evaluated: 2022-01-03. Review status: criteria provided, single submitter. Criteria: ACMG Guidelines, 2015. Collection method: clinical testing. Allele origin: germline. Affected: yes. Observed: 1 heterozygote.
Comment: The variant has been previously reported as de novo in a similarly affected individual (PMID: 9529364, PS2_S). Same nucleotide change resulting in same amino acid change has been previously reported to be associated with WT1 related disorder (ClinVar ID: VCV000003490, PMID:1655284). A different missense change at the same codon (p.Asp469Gly, p.Asp469Tyr) has been reported as pathogenic/likely pathogenic with strong evidence (ClinVar ID: VCV000003489,VCV000547167, PMID:22876585, PMID:1655284, PMID:10738002, PMID:24402088, PM5_M). In silico tool predictions suggest damaging effect of the variant on gene or gene product (3CNET: 0.895, PP3_P). A missense variant is a common mechanism associated with Nephrotic syndrome (PP2_P). It is observed at an extremely low frequency in the gnomAD v2.1.1 dataset (total allele frequency: 0.000000, PM2_M). Therefore, this variant is classified as pathogenic according to the recommendation of ACMG/AMP guideline.

OMIM
Classification: Pathogenic for DENYS-DRASH SYNDROME. Last evaluated: 1998-04-01. Review status: no assertion criteria provided. Collection method: literature only. Allele origin: germline. Not counted in ClinVar's aggregate classification.

OMIM
Classification: Pathogenic for NEPHROTIC SYNDROME, TYPE 4. Last evaluated: 1998-04-01. Review status: no assertion criteria provided. Collection method: literature only. Allele origin: germline. Not counted in ClinVar's aggregate classification.

Literature cited by the submitters: PubMed 1655284 (cited by 4 submitters); PubMed 25077094 (cited by Ambry Genetics); PubMed 25818337 (cited by Ambry Genetics); PubMed 26248470 (cited by Ambry Genetics); PubMed 31328266 (cited by Ambry Genetics); PubMed 33392118 (cited by Ambry Genetics and Labcorp Genetics (formerly Invitae), Labcorp); PubMed 34031707 (cited by Ambry Genetics); PubMed 37576146 (cited by Ambry Genetics); PubMed 15665984 (cited by Labcorp Genetics (formerly Invitae), Labcorp); PubMed 5665984 (cited by Labcorp Genetics (formerly Invitae), Labcorp); PubMed 8810912 (cited by Labcorp Genetics (formerly Invitae), Labcorp); PubMed 20442690 (cited by Labcorp Genetics (formerly Invitae), Labcorp); PubMed 22876585 (cited by Labcorp Genetics (formerly Invitae), Labcorp and 3billion); PubMed 24379226 (cited by Labcorp Genetics (formerly Invitae), Labcorp); PubMed 24402088 (cited by Labcorp Genetics (formerly Invitae), Labcorp); PubMed 9529364 (cited by 3billion and OMIM); PubMed 1338906 (cited by OMIM); PubMed 9090524 (cited by OMIM).